The following is an entry in ClinVar:

NM_005982.4(SIX1):c.114C>T (p.Pro38=)

Gene: SIX1 (SIX homeobox 1; minus strand). Cytogenetic location: 14q23.1.
Variant type: single nucleotide variant.
Coding change: c.114C>T on transcript NM_005982.4 (MANE Select); coding-DNA position 114, C replaced by T.
Protein change: p.Pro38=; no amino-acid change (proline 38 retained).
Molecular consequence: synonymous variant.
Genome position (GRCh38, 1-based): chr14:60,649,076, G>A on the plus strand (C>T on the coding strand, the complement: SIX1 is on the minus strand). VCF-style: chr14-60649076-G-A. GRCh37 (hg19) VCF-style: chr14-61115794-G-A.
Identifiers: ClinVar variation 517563 (VCV000517563.11), dbSNP rs752537825, ClinGen allele CA7212858.

ClinVar aggregate classification (germline): Likely benign. Review status: criteria provided, multiple submitters, no conflicts (2 of 4 stars). 4 submissions from 4 submitters: Likely benign (3). 1 of the submissions does not count toward it. Last evaluated 2024-07-25.

Conditions:
SIX1-related disorder. Also called: SIX1-related condition.

Allele frequency attached by ClinVar (database versions not stated): gnomAD exomes 0.00001 and 0.00002; ExAC 0.00002; gnomAD 0.00002 and 0.00003; TOPMed 0.00002.
gnomAD v4.1: 27 of 1,613,560 alleles (0.0017%); highest among the groups gnomAD compares: East Asian, 0.0022%; no homozygotes.

Submissions (4):

Blueprint Genetics
Classification: Likely benign. Last evaluated: 2024-07-25. Review status: criteria provided, single submitter. Criteria: ACMG Guidelines, 2015. Collection method: clinical testing. Allele origin: germline.

Labcorp Genetics (formerly Invitae), Labcorp
Classification: Likely benign. Last evaluated: 2018-03-29. Review status: criteria provided, single submitter. Criteria: Invitae Variant Classification Sherloc (09022015). Collection method: clinical testing. Allele origin: germline.

Laboratory for Molecular Medicine, Mass General Brigham Personalized Medicine
Classification: Likely benign. Last evaluated: 2018-01-28. Review status: criteria provided, single submitter. Criteria: LMM Criteria. Collection method: clinical testing. Allele origin: germline. Observed: 2 variant alleles.
Comment: p.Pro38Pro in exon 1 of SIX1: This variant is not expected to have clinical sign ificance because it does not alter an amino acid residue and is not located with in the splice consensus sequence. It has been identified in 2/65972 European chr omosomes by the Exome Aggregation Consortium (ExAC, rg; dbSNP rs752537825).

PreventionGenetics, part of Exact Sciences
Classification: Likely benign for SIX1-related condition. Last evaluated: 2023-04-11. Review status: no assertion criteria provided. Collection method: clinical testing. Allele origin: germline. Not counted in ClinVar's aggregate classification.
Comment: This variant is classified as likely benign based on ACMG/AMP sequence variant interpretation guidelines (Richards et al. 2015 PMID: 25741868, with internal and published modifications).